The following is an entry in ClinVar:

ClinVar aggregate classification (germline): Uncertain significance. Review status: criteria provided, multiple submitters, no conflicts (2 of 4 stars). 4 submissions from 4 submitters: Uncertain significance (4). Last evaluated 2025-07-02.

Conditions:
Inborn genetic diseases. Identifiers: MedGen C0950123, MeSH D030342.
Acute myeloid leukemia (AML). Also called: Leukemia, acute myeloid, somatic; Leukemia, acute myelogenous, somatic; Acute myeloid leukemia, adult; AML adult; Acute non-lymphocytic leukemia; Acute granulocytic leukemia. Identifiers: Orphanet 519, MedGen C0023467, MeSH D015470, MONDO:0018874, OMIM 601626, HP:0004808. Disease mechanism: Constitutively activated FLT3.

Submissions (4):

Labcorp Genetics (formerly Invitae), Labcorp
Classification: Uncertain significance for Acute myeloid leukemia. Last evaluated: 2025-07-02. Review status: criteria provided, single submitter. Criteria: Invitae Variant Classification Sherloc (09022015). Collection method: clinical testing. Allele origin: germline.
Comment: This variant, c.308_313del, results in the deletion of 2 amino acid(s) of the CEBPA protein (p.Gly103_Gly104del), but otherwise preserves the integrity of the reading frame. This variant is present in population databases (no rsID available, gnomAD 0.02%). This variant has not been reported in the literature in individuals affected with CEBPA-related conditions. ClinVar contains an entry for this variant (Variation ID: 456679). Experimental studies and prediction algorithms are not available or were not evaluated, and the functional significance of this variant is currently unknown. In summary, the available evidence is currently insufficient to determine the role of this variant in disease. Therefore, it has been classified as a Variant of Uncertain Significance.

Ambry Genetics
Classification: Uncertain significance for Inborn genetic diseases. Last evaluated: 2025-02-13. Review status: criteria provided, single submitter. Criteria: Ambry Variant Classification Scheme 2023. Collection method: clinical testing. Allele origin: germline.
Comment: The c.308_313delGCGGCG variant (also known as p.G103_G104del) is located in coding exon 1 of the CEBPA gene. This variant results from an in-frame GCGGCG deletion at nucleotide positions 308 to 313. This results in the in-frame deletion of two glycine residues at codons 103 to 104. This amino acid region is well conserved in available vertebrate species. In addition, this alteration is predicted to be neutral by in silico analysis (Choi Y et al. PLoS ONE. 2012; 7(10):e46688). Based on the available evidence, the clinical significance of this variant remains unclear.

GeneDx
Classification: Uncertain significance. Last evaluated: 2022-07-28. Review status: criteria provided, single submitter. Criteria: GeneDx Variant Classification Process June 2021. Collection method: clinical testing. Allele origin: germline. Affected: yes.
Comment: In-frame deletion of 2 amino acids in a repetitive region with no known function; Not observed at significant frequency in large population cohorts (gnomAD); Has not been previously published as pathogenic or benign to our knowledge

Genetic Services Laboratory, University of Chicago
Classification: Uncertain significance. Last evaluated: 2020-12-01. Review status: criteria provided, single submitter. Criteria: ACMG Guidelines, 2015. Collection method: clinical testing. Allele origin: germline. Affected: no.
Comment: DNA sequence analysis of the CEBPA gene demonstrated a 6 base pair deletion in exon 1, c.308_313del. This in-frame deletion is predicted to result in the deletion of 2 amino acid residues, p.Gly103_Gly104del. This sequence change has been described in the gnomAD database in one individual with an overall population frequency of 0.0018% (dbSNP rs780345232), and does not appear to have been previously described in patients with CEBPA-related disorders. The functional significance of this sequence change is not known at present and its contribution to a disease phenotype cannot definitively be determined.

NM_004364.5(CEBPA):c.296GCG[4] (p.Gly103_Gly104del)

Gene: CEBPA (CCAAT enhancer binding protein alpha; minus strand). Cytogenetic location: 19q13.11.
Variant type: Microsatellite.
Coding change: c.296GCG[4] on transcript NM_004364.5 (MANE Select); four copies in a row of the 3-base unit GCG starting at c.296; the reference has six copies in a row; two copies, 6 bases deleted; also written c.308_313del.
Protein change: p.Gly103_Gly104del.
Molecular consequence: inframe deletion. On other transcripts: 5 prime UTR variant (1).
Genome position (GRCh38, 1-based): chr19:33,302,102-33,302,107, CGCCGC deleted on the plus strand (GCGGCG on the coding strand, the reverse complement: CEBPA is on the minus strand); deleting any 6 consecutive bases within chr19:33,302,102-33,302,120 gives the same sequence; the position shown is the placement nearest the transcript's 3' end. VCF-style (leftmost placement, unchanged base first): chr19-33302101-TCGCCGC-T. GRCh37 (hg19) VCF-style: chr19-33793007-TCGCCGC-T.
Other names: c.-62GCG[4] (NM_001285829.2); c.401GCG[4], p.Gly138_Gly139del (NM_001287424.2); c.254GCG[4], p.Gly89_Gly90del (NM_001287435.2); c.308_313delGCGGCG (NM_004364.3, NM_004364.4); c.308_313del (NM_004364.3).
Identifiers: ClinVar variation 456679 (VCV000456679.19), dbSNP rs780345232, ClinGen allele CA633069972.
Genomic context (GRCh38, chr19:33,302,101, plus strand): 5'-TGCGCTCCCCCGGGCATGACGGCGCCGCCGGGGCCCGCGGGCGCGCCCGGGTAGTCAAAG[TCGCCGC>T]CGCCGCCGCCGCCCGTGGGGCCCACGGCCGCCTTGGCCTTCTCCTGCTGCCGGCTGTGCT-3'